The following is an entry in ClinVar:

ClinVar aggregate classification (germline): Conflicting classifications of pathogenicity. Review status: criteria provided, conflicting classifications (1 of 4 stars). 2 submissions from 2 submitters: Uncertain significance (1); Likely benign (1). Last evaluated 2024-09-20.

Conditions:
Inborn genetic diseases. Identifiers: MedGen C0950123, MeSH D030342.
Osteocraniostenosis (GCLEB). Also called: Osteocraniostenosis (Gracile Bone Dysplasia); HABRODYSPLASIA; OSTEOCRANIOSPLENIC SYNDROME. Identifiers: Orphanet 2763, MedGen C1865639, MONDO:0011215, OMIM 602361.
Autosomal dominant Kenny-Caffey syndrome. Also called: Kenny-Caffey syndrome type 2. Identifiers: Orphanet 2333, Orphanet 93325, MedGen C4316787, MONDO:0007478, OMIM 127000.

Submissions (2):

3billion
Classification: Likely benign for Autosomal dominant Kenny-Caffey syndrome; Osteocraniostenosis. Last evaluated: 2024-09-20. Review status: criteria provided, single submitter. Criteria: ACMG Guidelines, 2015. Collection method: clinical testing. Allele origin: germline. Affected: no.
Comment: The variant was identified in at least one patient who was diagnosed with a different variant in another gene and showed no symptoms related to the gene containing the variant in question.

Ambry Genetics
Classification: Uncertain significance for Inborn genetic diseases. Last evaluated: 2022-09-21. Review status: criteria provided, single submitter. Criteria: Ambry Variant Classification Scheme 2023. Collection method: clinical testing. Allele origin: germline.
Comment: Loss of function has not been established as a mechanism of disease Based on insufficient or conflicting evidence, the clinical significance of this alteration remains unclear.

NM_001312909.2(FAM111A):c.873_874del (p.Leu292fs)

Gene: FAM111A (FAM111 trypsin like peptidase A; plus strand). Cytogenetic location: 11q12.1.
Variant type: Microsatellite.
Coding change: c.873_874del on transcript NM_001312909.2 (MANE Select); coding-DNA positions 873 to 874, 2 bases deleted (GT; older notation c.873_874delGT).
Protein change: p.Leu292fs; shifts the reading frame from leucine 292.
Molecular consequence: frameshift variant.
Genome position (GRCh38, 1-based): chr11:59,152,541-59,152,542, GT deleted; deleting any 2 consecutive bases within chr11:59,152,536-59,152,542 gives the same sequence; the c. name uses the placement nearest the transcript's 3' end. VCF-style (leftmost placement, unchanged base first): chr11-59152535-CTG-C. GRCh37 (hg19) VCF-style: chr11-58920008-CTG-C.
Other names: c.873_874del, p.Leu292fs (NM_001142519.3, NM_001142520.3, NM_001142521.3 and 29 more transcripts); short protein forms L292fs.
Identifiers: ClinVar variation 2311301 (VCV002311301.3), dbSNP rs2496296355, ClinGen allele CA2580615702.
Genomic context (GRCh38, chr11:59,152,535, plus strand): 5'-GAAAAGAATGGTCCCCAGTGCAGCAGCTTCTCAGAATCCTGAGTCAGAGAAAAGAAACAC[CTG>C]TGTGTTGAGAGAACAAATCGTGGCTCAGTACCCCAGTTTGAAAAGAGAAAGTGAAAAAAT-3'